The following is an entry in ClinVar:

ClinVar aggregate classification (germline): Uncertain significance. Review status: criteria provided, multiple submitters, no conflicts (2 of 4 stars). 2 submissions from 2 submitters: Uncertain significance (2). Last evaluated 2024-03-14.

Conditions:
Inborn genetic diseases. Identifiers: MedGen C0950123, MeSH D030342.

Allele frequency attached by ClinVar (database versions not stated): ExAC 0.00001; gnomAD exomes 0.00001; ESP Exome Variant Server 0.00008.
gnomAD v4.1: 20 of 1,614,174 alleles (0.0012%); highest among the groups gnomAD compares: Non-Finnish European, 0.0017%; no homozygotes.

Submissions (2):

Ambry Genetics
Classification: Uncertain significance for Inborn genetic diseases. Last evaluated: 2024-03-14. Review status: criteria provided, single submitter. Criteria: Ambry Variant Classification Scheme 2023. Collection method: clinical testing. Allele origin: germline.

GeneDx
Classification: Uncertain significance. Last evaluated: 2021-02-19. Review status: criteria provided, single submitter. Criteria: GeneDx Variant Classification Process June 2021. Collection method: clinical testing. Allele origin: germline. Affected: yes.
Comment: Not observed at a significant frequency in large population cohorts (Lek et al., 2016); In silico analysis supports that this missense variant does not alter protein structure/function; Has not been previously published as pathogenic or benign to our knowledge

NM_001291303.3(FAT4):c.11080A>G (p.Thr3694Ala)

Gene: FAT4 (FAT atypical cadherin 4; plus strand). Cytogenetic location: 4q28.1.
Variant type: single nucleotide variant.
Coding change: c.11080A>G on transcript NM_001291303.3 (MANE Select); coding-DNA position 11080, A replaced by G.
Protein change: p.Thr3694Ala; replaces threonine 3694 with alanine.
Molecular consequence: missense variant.
Genome position (GRCh38, 1-based): chr4:125,452,090, A>G. VCF-style: chr4-125452090-A-G. GRCh37 (hg19) VCF-style: chr4-126373245-A-G.
Other names: c.11080A>G, p.Thr3694Ala (NM_001291285.3); c.11074A>G, p.Thr3692Ala (NM_024582.6); short protein forms T3692A, T3694A.
Identifiers: ClinVar variation 1198649 (VCV001198649.3), dbSNP rs150752497, ClinGen allele CA3073781.